The following is an entry in ClinVar:

NM_006231.4(POLE):c.-6G>A

Genes: POLE (DNA polymerase epsilon, catalytic subunit; minus strand), LOC130009266 (ATAC-STARR-seq lymphoblastoid silent region 5123; plus strand). Cytogenetic location: 12q24.33.
Variant type: single nucleotide variant.
Coding change: c.-6G>A on transcript NM_006231.4 (MANE Select); 6 bases upstream of the start codon, G replaced by A.
Molecular consequence: 5 prime UTR variant.
Genome position (GRCh38, 1-based): chr12:132,687,321, C>T on the plus strand (G>A on the coding strand, the complement: POLE is on the minus strand). VCF-style: chr12-132687321-C-T. GRCh37 (hg19) VCF-style: chr12-133263907-C-T.
Identifiers: ClinVar variation 246298 (VCV000246298.24), dbSNP rs534524789, ClinGen allele CA10584418.

ClinVar aggregate classification (germline): Conflicting classifications of pathogenicity. Review status: criteria provided, conflicting classifications (1 of 4 stars). 5 submissions from 5 submitters: Uncertain significance (3); Likely benign (2). Last evaluated 2026-05-07.

Conditions:
POLE-related disorder. Also called: POLE-related condition; POLE-related disorders.
Colorectal cancer, susceptibility to, 12 (CRCS12). Also called: COLORECTAL CANCER, SUSCEPTIBILITY TO, ON CHROMOSOME 12q24. Identifiers: Orphanet 220460, MedGen C3554460, MONDO:0014038, OMIM 615083.

Allele frequency attached by ClinVar (database versions not stated): 1000 Genomes Project 0.00020; TOPMed 0.00022; 1000 Genomes Project 30x 0.00031.
gnomAD v4.1: 94 of 1,499,624 alleles (0.0063%); highest among the groups gnomAD compares: African/African-American, 0.096%; no homozygotes.

Submissions (5):

PreventionGenetics, part of Exact Sciences
Classification: Uncertain significance for POLE-related condition. Last evaluated: 2026-05-07. Review status: criteria provided, single submitter. Criteria: ACMG Guidelines, 2015. Collection method: clinical testing. Allele origin: germline.
Comment: The POLE c.-6G>A variant is located in the 5' untranslated region. To our knowledge, this variant has not been reported in the literature. This variant is reported in 0.069% of alleles in individuals of African descent in gnomAD and has conflicting interpretations in ClinVar ranging from likely benign to uncertain (Variation ID: 246298). Although we suspect that this variant may be benign, the clinical significance of this variant is uncertain at this time due to the absence of conclusive functional and genetic evidence.

CeGaT Center for Human Genetics Tuebingen
Classification: Likely benign. Last evaluated: 2024-06-01. Review status: criteria provided, single submitter. Criteria: CeGaT Center For Human Genetics Tuebingen Variant Classification Criteria Version 2. Collection method: clinical testing. Allele origin: germline. Affected: yes. Observed: 1 variant allele.
Comment: POLE: BP4

Mendelics
Classification: Uncertain significance for Colorectal cancer, susceptibility to, 12. Last evaluated: 2019-05-28. Review status: criteria provided, single submitter. Criteria: Mendelics Assertion Criteria 2017. Collection method: clinical testing. Allele origin: unknown.

GeneDx
Classification: Uncertain significance. Last evaluated: 2018-08-30. Review status: criteria provided, single submitter. Criteria: GeneDx Variant Classification (06012015). Collection method: clinical testing. Allele origin: germline. Affected: yes.
Comment: This variant is denoted POLE c.-6G>A, and describes a nucleotide substitution 6 base pairs upstream of the POLE start codon. This variant has not, to our knowledge, been published in the literature as pathogenic or benign. POLE c.-6G>A occurs in the Kozak sequence, the conserved nucleotides just upstream of the ATG start codon, and therefore may impact protein translation. POLE c.-6G>A was observed at an allele frequency of 0.069% (8/11474 alleles) in individuals of African ancestry in large population cohorts (Lek 2016). Based on the currently available information, it is unclear whether POLE c.-6G>A is a pathogenic or a benign variant. We consider it to be a variant of uncertain significance.

Quest Diagnostics Nichols Institute San Juan Capistrano
Classification: Likely benign. Last evaluated: 2017-07-06. Review status: criteria provided, single submitter. Criteria: Quest Diagnostics criteria. Collection method: clinical testing. Allele origin: germline.